The following is an entry in ClinVar:

ClinVar aggregate classification (germline): Likely benign. Review status: criteria provided, multiple submitters, no conflicts (2 of 4 stars). 2 submissions from 2 submitters: Likely benign (2). Last evaluated 2025-12-22.

Conditions:
Supravalvar aortic stenosis (SVAS). Also called: Supravalvar aortic stenosis, Eisenberg type. Identifiers: Orphanet 3193, MedGen C0003499, MONDO:0008504, OMIM 185500, HP:0004381.

gnomAD v4.1: 23 of 1,613,404 alleles (0.0014%); highest among the groups gnomAD compares: African/African-American, 0.004%; no homozygotes.

Submissions (2):

Labcorp Genetics (formerly Invitae), Labcorp
Classification: Likely benign for Supravalvar aortic stenosis. Last evaluated: 2025-12-22. Review status: criteria provided, single submitter. Criteria: Invitae Variant Classification Sherloc (09022015). Collection method: clinical testing. Allele origin: germline.

CeGaT Center for Human Genetics Tuebingen
Classification: Likely benign. Last evaluated: 2024-07-01. Review status: criteria provided, single submitter. Criteria: CeGaT Center For Human Genetics Tuebingen Variant Classification Criteria Version 2. Collection method: clinical testing. Allele origin: germline. Affected: yes. Observed: 1 variant allele.
Comment: ELN: BP4, BP7

NM_000501.4(ELN):c.264G>A (p.Pro88=)

Gene: ELN (elastin; plus strand). Cytogenetic location: 7q11.23.
Variant type: single nucleotide variant.
Coding change: c.264G>A on transcript NM_000501.4 (MANE Select); coding-DNA position 264, G replaced by A.
Protein change: p.Pro88=; no amino-acid change (proline 88 retained).
Molecular consequence: synonymous variant.
Genome position (GRCh38, 1-based): chr7:74,042,645, G>A. VCF-style: chr7-74042645-G-A. GRCh37 (hg19) VCF-style: chr7-73456975-G-A.
Other names: c.234G>A, p.Pro78= (NM_001081752.3, NM_001278914.2, NM_001278917.2 and 1 more transcripts); c.264G>A, p.Pro88= (NM_001081753.3, NM_001081754.3, NM_001081755.3 and 4 more transcripts); c.228G>A, p.Pro76= (NM_001278913.2).
Identifiers: ClinVar variation 3257169 (VCV003257169.18).